The following is an entry in ClinVar:

NM_004667.6(HERC2):c.5989C>G (p.Leu1997Val)

Gene: HERC2 (HECT and RLD domain containing E3 ubiquitin protein ligase 2; minus strand). Cytogenetic location: 15q13.1.
Variant type: single nucleotide variant.
Coding change: c.5989C>G on transcript NM_004667.6 (MANE Select); coding-DNA position 5989, C replaced by G.
Protein change: p.Leu1997Val; replaces leucine 1997 with valine.
Molecular consequence: missense variant.
Genome position (GRCh38, 1-based): chr15:28,218,528, G>C on the plus strand (C>G on the coding strand, the complement: HERC2 is on the minus strand). VCF-style: chr15-28218528-G-C. GRCh37 (hg19) VCF-style: chr15-28463674-G-C.
Other names: c.5989C>G (NM_004667.4); short protein forms L1997V.
Identifiers: ClinVar variation 1722939 (VCV001722939.8), dbSNP rs372902013, ClinGen allele CA7442207.
Genomic context (GRCh38, chr15:28,218,528, plus strand): 5'-CCTCGATCTCTCATTCCATACATGTCTTGTCCGTCGTTCCGCTTTCCACTAACATTCGCA[G>C]CAGTCCGCATAAAGTCTTGGTGGCTTCGCTCTGCATGATCTCAGCATGAACTCCAGCAGA-3'
Protein context (NP_004658.3, residues 1987-2007): SEATKTLCGL[Leu1997Val]RMLVESGTTD

ClinVar aggregate classification (germline): Uncertain significance. Review status: criteria provided, multiple submitters, no conflicts (2 of 4 stars). 2 submissions from 2 submitters: Uncertain significance (2). Last evaluated 2024-10-20.

Conditions:
Inborn genetic diseases. Identifiers: MedGen C0950123, MeSH D030342.
Developmental delay with autism spectrum disorder and gait instability (MRT38). Also called: Intellectual developmental disorder, autosomal recessive 38. Identifiers: Orphanet 329195, MedGen C3809753, MONDO:0014224, OMIM 615516.

Allele frequency attached by ClinVar (database versions not stated): ExAC 0.00004; ESP Exome Variant Server 0.00013; gnomAD 0.00016; TOPMed 0.00019.
gnomAD v4.1: 39 of 1,596,984 alleles (0.0024%); highest among the groups gnomAD compares: African/African-American, 0.048%; no homozygotes.

Submissions (2):

Ambry Genetics
Classification: Uncertain significance for Inborn genetic diseases. Last evaluated: 2024-10-20. Review status: criteria provided, single submitter. Criteria: Ambry Variant Classification Scheme 2023. Collection method: clinical testing. Allele origin: germline.

GeneDx
Classification: Uncertain significance. Last evaluated: 2024-05-21. Review status: criteria provided, single submitter. Criteria: GeneDx Variant Classification Process June 2021. Collection method: clinical testing. Allele origin: germline. Affected: yes.
Comment: In silico analysis supports that this missense variant does not alter protein structure/function; Has not been previously published as pathogenic or benign to our knowledge